The following is an entry in ClinVar:

NM_015001.3(SPEN):c.1578G>A (p.Ser526=)

Gene: SPEN (spen family transcriptional repressor; plus strand). Cytogenetic location: 1p36.13.
Variant type: single nucleotide variant.
Coding change: c.1578G>A on transcript NM_015001.3 (MANE Select); coding-DNA position 1578, G replaced by A.
Protein change: p.Ser526=; no amino-acid change (serine 526 retained).
Molecular consequence: synonymous variant.
Genome position (GRCh38, 1-based): chr1:15,919,460, G>A. VCF-style: chr1-15919460-G-A. GRCh37 (hg19) VCF-style: chr1-16245955-G-A.
Identifiers: ClinVar variation 4533463 (VCV004533463.6).
Genomic context (GRCh38, chr1:15,919,460, plus strand): 5'-TCAGCTGGGTTTTGGAAAGAGCATGCCTACAAACTGCGTGTGGCTAGATGGGCTTTCTTC[G>A]AATGTGTCAGATCAGTATTTAACACGACATTTCTGCCGATATGGGCCTGTGGTAAAGGTA-3'
Protein context (NP_055816.2, residues 516-536): TNCVWLDGLS[Ser526=]NVSDQYLTRH

ClinVar aggregate classification (germline): Likely benign (1 of 4 stars; one submission).

gnomAD v4.1: 217 of 1,608,722 alleles (0.013%); highest among the groups gnomAD compares: Middle Eastern, 0.033%; 2 homozygotes.

Submission:

CeGaT Center for Human Genetics Tuebingen
Classification: Likely benign. Last evaluated: 2025-10-01. Review status: criteria provided, single submitter. Criteria: CeGaT Center For Human Genetics Tuebingen Variant Classification Criteria Version 2. Collection method: clinical testing. Allele origin: germline. Affected: yes. Observed: 1 variant allele.
Comment: SPEN: BP4, BP7